The following is an entry in ClinVar:

NM_001457.4(FLNB):c.3724+5del

Gene: FLNB (filamin B; plus strand). Cytogenetic location: 3p14.3.
Variant type: Deletion.
Coding change: c.3724+5del on transcript NM_001457.4 (MANE Select); 5 bases into the intron after coding-DNA position 3724, one base deleted (G; older notation c.3724+5delG).
Molecular consequence: intron variant.
Genome position (GRCh38, 1-based): chr3:58,123,695, G deleted; the last of 3 consecutive G bases (chr3:58,123,693-58,123,695); deleting any one gives the same sequence. VCF-style (leftmost placement, unchanged base first): chr3-58123692-TG-T. GRCh37 (hg19) VCF-style: chr3-58109419-TG-T.
Other names: c.3724+5del (NM_001164317.2, NM_001164318.2, NM_001164319.2).
Identifiers: ClinVar variation 2998451 (VCV002998451.3), dbSNP rs2097292770, ClinGen allele CA543247928.

ClinVar aggregate classification (germline): Uncertain significance (1 of 4 stars; one submission).

Submission:

Labcorp Genetics (formerly Invitae), Labcorp
Classification: Uncertain significance. Last evaluated: 2025-04-09. Review status: criteria provided, single submitter. Criteria: Invitae Variant Classification Sherloc (09022015). Collection method: clinical testing. Allele origin: germline.
Comment: This sequence change falls in intron 21 of the FLNB gene. It does not directly change the encoded amino acid sequence of the FLNB protein. It affects a nucleotide within the consensus splice site. This variant is present in population databases (no rsID available, gnomAD 0.001%). This variant has not been reported in the literature in individuals affected with FLNB-related conditions. ClinVar contains an entry for this variant (Variation ID: 2998451). Variants that disrupt the consensus splice site are a relatively common cause of aberrant splicing (PMID: 17576681, 9536098). Algorithms developed to predict the effect of sequence changes on RNA splicing suggest that this variant may disrupt the consensus splice site. In summary, the available evidence is currently insufficient to determine the role of this variant in disease. Therefore, it has been classified as a Variant of Uncertain Significance.

Literature cited by the submitters: PubMed 17576681; PubMed 9536098.